The following is an entry in ClinVar:

NM_024422.6(DSC2):c.2508+309C>T

Gene: DSC2 (desmocollin 2; minus strand). Cytogenetic location: 18q12.1.
Variant type: single nucleotide variant.
Coding change: c.2508+309C>T on transcript NM_024422.6 (MANE Select); 309 bases into the intron after coding-DNA position 2508, C replaced by T.
Molecular consequence: intron variant.
Genome position (GRCh38, 1-based): chr18:31,068,585, G>A on the plus strand (C>T on the coding strand, the complement: DSC2 is on the minus strand). VCF-style: chr18-31068585-G-A. GRCh37 (hg19) VCF-style: chr18-28648551-G-A.
Other names: c.2509-241C>T (NM_004949.5).
Identifiers: ClinVar variation 679432 (VCV000679432.1), dbSNP rs75543658, ClinGen allele CA297685909.
Genomic context (GRCh38, chr18:31,068,585, plus strand): 5'-AATTGATATGGGCTCAGTTCTTCCCAGATAGACATAGTGATAGTACATGCTGGTCTTGCT[G>A]GTACCACATTTTTGGTTTCTAAGGTACAAGTTGTCAGATGGGAAATATTAGCACAAAGCC-3'

ClinVar aggregate classification (germline): Likely benign (1 of 4 stars; one submission).

Allele frequency attached by ClinVar (database versions not stated): 1000 Genomes Project 0.00779; 1000 Genomes Project 30x 0.00796; gnomAD 0.00837 and 0.00918; TOPMed 0.01025.
gnomAD v4.1: 1,262 of 152,154 alleles (0.83%); highest among the groups gnomAD compares: African/African-American, 2.8%; 26 homozygotes.

Submission:

GeneDx
Classification: Likely benign. Last evaluated: 2018-06-14. Review status: criteria provided, single submitter. Criteria: GeneDx Variant Classification (06012015). Collection method: clinical testing. Allele origin: germline. Affected: yes.
Comment: This variant is considered likely benign or benign based on one or more of the following criteria: it is a conservative change, it occurs at a poorly conserved position in the protein, it is predicted to be benign by multiple in silico algorithms, and/or has population frequency not consistent with disease.